The following is an entry in ClinVar:

ClinVar aggregate classification (germline): Uncertain significance (0 of 4 stars; one submission).

Conditions:
WDPCP-related disorder. Also called: WDPCP-related condition.

gnomAD v4.1: 8 of 1,612,752 alleles (0.0005%); highest among the groups gnomAD compares: African/African-American, 0.0013%; no homozygotes.

Submission:

PreventionGenetics, part of Exact Sciences
Classification: Uncertain significance for WDPCP-related condition. Last evaluated: 2024-05-17. Review status: no assertion criteria provided. Collection method: clinical testing. Allele origin: germline.
Comment: The WDPCP c.1886T>C variant is predicted to result in the amino acid substitution p.Ile629Thr. To our knowledge, this variant has not been reported in the literature. This variant is reported in 0.00089% of alleles in individuals of European (Non-Finnish) descent in gnomAD. At this time, the clinical significance of this variant is uncertain due to the absence of conclusive functional and genetic evidence.

NM_015910.7(WDPCP):c.1886T>C (p.Ile629Thr)

Gene: WDPCP (WD repeat containing planar cell polarity effector; minus strand). Cytogenetic location: 2p15.
Variant type: single nucleotide variant.
Coding change: c.1886T>C on transcript NM_015910.7 (MANE Select); coding-DNA position 1886, T replaced by C.
Protein change: p.Ile629Thr; replaces isoleucine 629 with threonine.
Molecular consequence: missense variant. On other transcripts: non-coding transcript variant (2).
Genome position (GRCh38, 1-based): chr2:63,259,336, A>G on the plus strand (T>C on the coding strand, the complement: WDPCP is on the minus strand). VCF-style: chr2-63259336-A-G. GRCh37 (hg19) VCF-style: chr2-63486471-A-G.
Other names: c.1409T>C, p.Ile470Thr (NM_001042692.3); c.1814T>C, p.Ile605Thr (NM_001354044.2); short protein forms I470T, I605T, I629T.
Identifiers: ClinVar variation 3356389 (VCV003356389.1).